The following is an entry in ClinVar:

NM_000245.4(MET):c.866A>G (p.His289Arg)

Gene: MET (MET proto-oncogene, receptor tyrosine kinase; plus strand). Cytogenetic location: 7q31.2.
Variant type: single nucleotide variant.
Coding change: c.866A>G on transcript NM_000245.4 (MANE Select); coding-DNA position 866, A replaced by G.
Protein change: p.His289Arg; replaces histidine 289 with arginine.
Molecular consequence: missense variant. On other transcripts: intron variant (1).
Genome position (GRCh38, 1-based): chr7:116,699,950, A>G. VCF-style: chr7-116699950-A-G. GRCh37 (hg19) VCF-style: chr7-116340004-A-G.
Other names: c.866A>G, p.His289Arg (NM_001127500.3, NM_001324401.3); c.-91+27373A>G (NM_001324402.2); short protein forms H289R.
Identifiers: ClinVar variation 664840 (VCV000664840.14), dbSNP rs1584877845, ClinGen allele CA368970024.

ClinVar aggregate classification (germline): Conflicting classifications of pathogenicity. Review status: criteria provided, conflicting classifications (1 of 4 stars). 2 submissions from 2 submitters: Uncertain significance (1); Likely benign (1). Last evaluated 2026-06-04.

Conditions:
Renal cell carcinoma. Identifiers: Orphanet 217071, MedGen C0007134, MeSH D002292, MONDO:0005086, HP:0005584.
Hereditary cancer-predisposing syndrome. Also called: Neoplastic Syndromes, Hereditary; Hereditary neoplastic syndrome; Hereditary Cancer Syndrome; Tumor predisposition. Identifiers: Orphanet 140162, MedGen C0027672, MeSH D009386, MONDO:0015356.

Allele frequency attached by ClinVar (database versions not stated): gnomAD exomes below 0.00001; gnomAD 0.00001.
gnomAD v4.1: 2 of 1,613,976 alleles (0.00012%); highest among the groups gnomAD compares: East Asian, 0.0022%; no homozygotes.

Submissions (2):

Ambry Genetics
Classification: Likely benign for Hereditary cancer-predisposing syndrome. Last evaluated: 2026-06-04. Review status: criteria provided, single submitter. Criteria: Ambry Variant Classification Scheme 2023. Collection method: clinical testing. Allele origin: germline.

Labcorp Genetics (formerly Invitae), Labcorp
Classification: Uncertain significance for Renal cell carcinoma. Last evaluated: 2025-05-07. Review status: criteria provided, single submitter. Criteria: Invitae Variant Classification Sherloc (09022015). Collection method: clinical testing. Allele origin: germline.
Comment: This sequence change replaces histidine, which is basic and polar, with arginine, which is basic and polar, at codon 289 of the MET protein (p.His289Arg). This variant is not present in population databases (gnomAD no frequency). This variant has not been reported in the literature in individuals affected with MET-related conditions. ClinVar contains an entry for this variant (Variation ID: 664840). Invitae Evidence Modeling of protein sequence and biophysical properties (such as structural, functional, and spatial information, amino acid conservation, physicochemical variation, residue mobility, and thermodynamic stability) indicates that this missense variant is not expected to disrupt MET protein function with a negative predictive value of 80%. In summary, the available evidence is currently insufficient to determine the role of this variant in disease. Therefore, it has been classified as a Variant of Uncertain Significance.